The following is an entry in ClinVar:

NM_000548.5(TSC2):c.1226_1230del (p.Glu409fs)

Gene: TSC2 (TSC complex subunit 2; plus strand). Cytogenetic location: 16p13.3.
Variant type: Deletion.
Coding change: c.1226_1230del on transcript NM_000548.5 (MANE Select); coding-DNA positions 1226 to 1230, 5 bases deleted (AACTG; older notation c.1226_1230delAACTG).
Protein change: p.Glu409fs; shifts the reading frame from glutamic acid 409.
Molecular consequence: frameshift variant.
Genome position (GRCh38, 1-based): chr16:2,061,977-2,061,981, AACTG deleted; deleting any 5 consecutive bases within chr16:2,061,975-2,061,981 gives the same sequence; the c. name uses the placement nearest the transcript's 3' end. VCF-style (leftmost placement, unchanged base first): chr16-2061974-TTGAAC-T. GRCh37 (hg19) VCF-style: chr16-2111975-TTGAAC-T.
Other names: c.1226_1230del, p.Glu409fs (NM_001077183.3, NM_001114382.3, NM_001363528.2 and 3 more transcripts); c.1115_1119del, p.Glu372fs (NM_001318827.2); c.1079_1083del, p.Glu360fs (NM_001318829.2); c.626_630del, p.Glu209fs (NM_001318831.2); c.1259_1263del, p.Glu420fs (NM_001318832.2); short protein forms E209fs, E372fs, E409fs, E420fs, E360fs.
Identifiers: ClinVar variation 49147 (VCV000049147.8), dbSNP rs137854127, ClinGen allele CA014105.

ClinVar aggregate classification (germline): Pathogenic. Review status: criteria provided, single submitter (1 of 4 stars). 2 submissions from 2 submitters: Pathogenic (1). 1 of the submissions does not count toward it. Last evaluated 2025-05-19.

Conditions:
Tuberous sclerosis syndrome (TSC). Also called: Tuberous Sclerosis Complex; Tuberous sclerosis. Identifiers: Orphanet 805, MedGen C0041341, MONDO:0001734.
Tuberous sclerosis 2 (TSC2). Identifiers: Orphanet 805, MedGen C1860707, MONDO:0013199, OMIM 613254.

Submissions (2):

Labcorp Genetics (formerly Invitae), Labcorp
Classification: Pathogenic for Tuberous sclerosis 2. Last evaluated: 2025-05-19. Review status: criteria provided, single submitter. Criteria: Invitae Variant Classification Sherloc (09022015). Collection method: clinical testing. Allele origin: germline.
Comment: This sequence change creates a premature translational stop signal (p.Glu409Glyfs*10) in the TSC2 gene. It is expected to result in an absent or disrupted protein product. Loss-of-function variants in TSC2 are known to be pathogenic (PMID: 10205261, 17304050). This variant is not present in population databases (gnomAD no frequency). This premature translational stop signal has been observed in individual(s) with tuberous sclerosis complex (PMID: 16981987). ClinVar contains an entry for this variant (Variation ID: 49147). For these reasons, this variant has been classified as Pathogenic.

Tuberous sclerosis database (TSC2)
No classification provided. Condition: TSC. Review status: no classification provided. Criteria: Tuberous Sclerosis Database Assertion Criteria 2015. Collection method: curation. Allele origin: germline. Affected: yes. Not counted in ClinVar's aggregate classification.

Literature cited by the submitters: PubMed 10205261 (cited by Labcorp Genetics (formerly Invitae), Labcorp); PubMed 17304050 (cited by Labcorp Genetics (formerly Invitae), Labcorp); PubMed 16981987 (cited by Labcorp Genetics (formerly Invitae), Labcorp).